The following is an entry in ClinVar:

ClinVar aggregate classification (germline): Benign/Likely benign. Review status: criteria provided, multiple submitters, no conflicts (2 of 4 stars). 7 submissions from 7 submitters: Benign (1); Likely benign (6). Last evaluated 2026-01-19.

Conditions:
Norman-Roberts syndrome (LIS2). Also called: Lissencephaly 2 (Norman-Roberts type). Identifiers: Orphanet 89844, MedGen C0796089, MONDO:0009760, OMIM 257320.
Familial temporal lobe epilepsy 7. Identifiers: Orphanet 101046, MedGen C4225327, MONDO:0014639, OMIM 616436.

Allele frequency attached by ClinVar (database versions not stated): ESP Exome Variant Server 0.00008; TOPMed 0.00012; gnomAD 0.00016 and 0.00027; gnomAD exomes 0.00046 and 0.00048; ExAC 0.00062; 1000 Genomes Project 30x 0.00109; 1000 Genomes Project 0.00140.
gnomAD v4.1: 692 of 1,614,140 alleles (0.043%); highest among the groups gnomAD compares: East Asian, 1.2%; 3 homozygotes.

Submissions (7):

Labcorp Genetics (formerly Invitae), Labcorp
Classification: Benign for Familial temporal lobe epilepsy 7; Norman-Roberts syndrome. Last evaluated: 2026-01-19. Review status: criteria provided, single submitter. Criteria: Invitae Variant Classification Sherloc (09022015). Collection method: clinical testing. Allele origin: germline.

Laboratory of Genetics, Children's Clinical University Hospital Latvia
Classification: Likely benign. Last evaluated: 2025-02-16. Review status: criteria provided, single submitter. Criteria: ACMG Guidelines, 2015. Collection method: clinical testing. Allele origin: germline. Affected: yes.

Blueprint Genetics
Classification: Likely benign. Last evaluated: 2024-06-13. Review status: criteria provided, single submitter. Criteria: ACMG Guidelines, 2015. Collection method: clinical testing. Allele origin: germline.

CeGaT Center for Human Genetics Tuebingen
Classification: Likely benign. Last evaluated: 2023-01-01. Review status: criteria provided, single submitter. Criteria: CeGaT Center For Human Genetics Tuebingen Variant Classification Criteria Version 2. Collection method: clinical testing. Allele origin: germline. Affected: yes. Observed: 2 variant alleles.
Comment: RELN: BP4, BP7

Illumina Laboratory Services, Illumina
Classification: Likely benign for Norman-Roberts syndrome. Last evaluated: 2018-01-13. Review status: criteria provided, single submitter. Criteria: ICSL Variant Classification Criteria 13 December 2019. Collection method: clinical testing. Allele origin: germline.
Comment: This variant was observed in the ICSL laboratory as part of a predisposition screen in an ostensibly healthy population. It had not been previously curated by ICSL or reported in the Human Gene Mutation Database (HGMD: prior to June 1st, 2018), and was therefore a candidate for classification through an automated scoring system. Utilizing variant allele frequency, disease prevalence and penetrance estimates, and inheritance mode, an automated score was calculated to assess if this variant is too frequent to cause the disease. Based on the score and internal cut-off values, a variant classified as likely benign is not then subjected to further curation. The score for this variant resulted in a classification of likely benign for this disease.

GeneDx
Classification: Likely benign. Last evaluated: 2017-05-31. Review status: criteria provided, single submitter. Criteria: GeneDx Variant Classification (06012015). Collection method: clinical testing. Allele origin: germline. Affected: yes.
Comment: This variant is considered likely benign or benign based on one or more of the following criteria: it is a conservative change, it occurs at a poorly conserved position in the protein, it is predicted to be benign by multiple in silico algorithms, and/or has population frequency not consistent with disease.

Breakthrough Genomics
Classification: Likely benign. Review status: criteria provided, single submitter. Criteria: ACMG Guidelines, 2015. Collection method: not provided. Allele origin: germline. Inheritance: Autosomal recessive inheritance. Affected: yes.

NM_005045.4(RELN):c.5088T>C (p.Leu1696=)

Gene: RELN (reelin; minus strand). Cytogenetic location: 7q22.1.
Variant type: single nucleotide variant.
Coding change: c.5088T>C on transcript NM_005045.4 (MANE Select); coding-DNA position 5088, T replaced by C.
Protein change: p.Leu1696=; no amino-acid change (leucine 1696 retained).
Molecular consequence: synonymous variant.
Genome position (GRCh38, 1-based): chr7:103,565,400, A>G on the plus strand (T>C on the coding strand, the complement: RELN is on the minus strand). VCF-style: chr7-103565400-A-G. GRCh37 (hg19) VCF-style: chr7-103205847-A-G.
Other names: c.5088T>C, p.Leu1696= (NM_173054.3).
Identifiers: ClinVar variation 386246 (VCV000386246.42), dbSNP rs114551393, ClinGen allele CA4421330.